The following is an entry in ClinVar:

NM_017780.4(CHD7):c.4202A>G (p.His1401Arg)

Gene: CHD7 (chromodomain helicase DNA binding protein 7; plus strand). Cytogenetic location: 8q12.2.
Variant type: single nucleotide variant.
Coding change: c.4202A>G on transcript NM_017780.4 (MANE Select); coding-DNA position 4202, A replaced by G.
Protein change: p.His1401Arg; replaces histidine 1401 with arginine.
Molecular consequence: missense variant. On other transcripts: intron variant (1).
Genome position (GRCh38, 1-based): chr8:60,837,684, A>G. VCF-style: chr8-60837684-A-G. GRCh37 (hg19) VCF-style: chr8-61750243-A-G.
Other names: c.1717-24545A>G (NM_001316690.1); short protein forms H1401R.
Identifiers: ClinVar variation 4813814 (VCV004813814.1).

ClinVar aggregate classification (germline): Likely pathogenic (1 of 4 stars; one submission).

Conditions:
CHD7-related CHARGE syndrome. Identifiers: MedGen CN380413, MONDO:1010178, OMIM 214800.

Submission:

Variantyx, Inc.
Classification: Likely pathogenic for CHD7-related CHARGE syndrome. Last evaluated: 2025-09-04. Review status: criteria provided, single submitter. Criteria: Variantyx Assertion Criteria 2022. Collection method: clinical testing. Allele origin: germline. Inheritance: Autosomal recessive inheritance. Affected: yes.
Comment: This is a nonsynonymous variant in the CHD7 gene (OMIM: 608892). Pathogenic variants in this gene have been associated with autosomal dominant CHARGE syndrome. This variant lies within a well-established critical functional domain of the CHD7 protein (PMID: 26411921, 23870137, 8382805) (PM1), and multiple computational algorithms predict a deleterious effect for this variant (REVEL score: 0.877) (PP3). This variant is absent from control populations (PM2) and has not been reported in individuals with CHD7-related disorders in the databases available for review. Based on the current evidence, this variant is classified as likely pathogenic for autosomal dominant CHARGE syndrome.

Literature cited by the submitters: PubMed 26411921; PubMed 23870137; PubMed 8382805.